The following is an entry in ClinVar:

ClinVar aggregate classification (germline): Pathogenic/Likely pathogenic. Review status: criteria provided, multiple submitters, no conflicts (2 of 4 stars). 3 submissions from 3 submitters: Pathogenic (1); Likely pathogenic (1). 1 of the submissions does not count toward it. Last evaluated 2022-01-04.

Conditions:
TELO2-related intellectual disability-neurodevelopmental disorder. Also called: You-Hoover-Fong syndrome. Identifiers: Orphanet 488642, MedGen C4310778, MONDO:0014848, OMIM 616954.

Allele frequency attached by ClinVar (database versions not stated): TOPMed 0.00002; gnomAD 0.00001.
gnomAD v4.1: 8 of 1,610,742 alleles (0.0005%); highest among the groups gnomAD compares: African/African-American, 0.0027%; no homozygotes.

Submissions (3):

GeneDx
Classification: Likely pathogenic. Last evaluated: 2022-01-04. Review status: criteria provided, single submitter. Criteria: GeneDx Variant Classification Process June 2021. Collection method: clinical testing. Allele origin: germline. Affected: yes.
Comment: Not observed at significant frequency in large population cohorts (gnomAD); In silico analysis supports that this missense variant has a deleterious effect on protein structure/function; This variant is associated with the following publications: (PMID: 31290144, 27132593, 33307281)

Baylor-Hopkins Center for Mendelian Genomics, Johns Hopkins University School of Medicine
Classification: Pathogenic for TELO2-related intellectual disability-neurodevelopmental disorder. Review status: criteria provided, single submitter. Criteria: Submitter's publication. Collection method: research. Allele origin: germline. Affected: yes. Observed: 1 variant allele, 1 compound heterozygote.

OMIM
Classification: Pathogenic for YOU-HOOVER-FONG SYNDROME. Last evaluated: 2019-09-10. Review status: no assertion criteria provided. Collection method: literature only. Allele origin: germline. Not counted in ClinVar's aggregate classification.

Literature cited by the submitters: PubMed 27132593 (cited by OMIM).

NM_016111.4(TELO2):c.1826G>A (p.Arg609His)

Gene: TELO2 (telomere maintenance 2; plus strand). Cytogenetic location: 16p13.3.
Variant type: single nucleotide variant.
Coding change: c.1826G>A on transcript NM_016111.4 (MANE Select); coding-DNA position 1826, G replaced by A.
Protein change: p.Arg609His; replaces arginine 609 with histidine.
Molecular consequence: missense variant.
Genome position (GRCh38, 1-based): chr16:1,502,986, G>A. VCF-style: chr16-1502986-G-A. GRCh37 (hg19) VCF-style: chr16-1552987-G-A.
Other names: c.1826G>A, p.Arg609His (NM_001351846.2); short protein forms R609H.
Identifiers: ClinVar variation 236229 (VCV000236229.7), dbSNP rs754162070, ClinGen allele CA10581572.